The following is an entry in ClinVar:

GRCh37/hg19 15q13.1-13.3(chr15:29276878-32404084)

Genes: APBA2 (amyloid beta precursor protein binding family A member 2; plus strand), ARHGAP11B (Rho GTPase activating protein 11B), CHRFAM7A (CHRNA7 (exons 5-10) and FAM7A (exons A-E) fusion; minus strand), CHRNA7 (cholinergic receptor nicotinic alpha 7 subunit), ENTREP2 (endosomal transmembrane epsin interactor 2; minus strand) and 10 more. Cytogenetic location: 15q13.1-13.3.
Variant type: copy number loss.
Identifiers: ClinVar variation 625719 (VCV000625719.1).

ClinVar aggregate classification (germline): Pathogenic (1 of 4 stars; one submission).

Submission:

Baylor Genetics
Classification: Pathogenic. Last evaluated: 2018-11-01. Review status: criteria provided, single submitter. Criteria: ACMG CNV Guidelines, 2011. Collection method: clinical testing. Allele origin: germline. Affected: yes. Observed: 1 variant allele.
Comment: Deletions involving this region have been previously reported in patients with intellectual disability and seizures (PMID: 18278044, 20236110)